The following is an entry in ClinVar:

ClinVar aggregate classification (germline): Uncertain significance (1 of 4 stars; one submission).

gnomAD v4.1: 1 of 1,609,734 alleles (0.000062%); highest among the groups gnomAD compares: Non-Finnish European, 0.000085%; no homozygotes.

Submission:

Ambry Genetics
Classification: Uncertain significance. Last evaluated: 2025-04-21. Review status: criteria provided, single submitter. Criteria: Ambry Variant Classification Scheme 2023. Collection method: clinical testing. Allele origin: germline.
Comment: The p.S1859R variant (also known as c.5577C>G), located in coding exon 22 of the WNK2 gene, results from a C to G substitution at nucleotide position 5577. The serine at codon 1859 is replaced by arginine, an amino acid with dissimilar properties. This amino acid position is conserved. In addition, this alteration is predicted to be tolerated by in silico analysis. Based on the available evidence, the clinical significance of this variant remains unclear.

NM_006648.4(WNK2):c.5577C>G (p.Ser1859Arg)

Gene: WNK2 (WNK lysine deficient protein kinase 2; plus strand). Cytogenetic location: 9q22.31.
Variant type: single nucleotide variant.
Coding change: c.5577C>G on transcript NM_006648.4 (MANE Select); coding-DNA position 5577, C replaced by G.
Protein change: p.Ser1859Arg; replaces serine 1859 with arginine.
Molecular consequence: missense variant.
Genome position (GRCh38, 1-based): chr9:93,293,042, C>G. VCF-style: chr9-93293042-C-G. GRCh37 (hg19) VCF-style: chr9-96055324-C-G.
Other names: c.5688C>G, p.Ser1896Arg (NM_001282394.3); short protein forms S1896R, S1859R.
Identifiers: ClinVar variation 3981933 (VCV003981933.1).